The following is an entry in ClinVar:

NM_201253.3(CRB1):c.805C>T (p.Gln269Ter)

Gene: CRB1 (crumbs cell polarity complex component 1; plus strand). Cytogenetic location: 1q31.3.
Variant type: single nucleotide variant.
Coding change: c.805C>T on transcript NM_201253.3 (MANE Select); coding-DNA position 805, C replaced by T.
Protein change: p.Gln269Ter; replaces glutamine 269 with a stop codon.
Molecular consequence: nonsense. On other transcripts: non-coding transcript variant (2), intron variant (1).
Genome position (GRCh38, 1-based): chr1:197,344,433, C>T. VCF-style: chr1-197344433-C-T. GRCh37 (hg19) VCF-style: chr1-197313563-C-T.
Other names: c.598C>T, p.Gln200Ter (NM_001257965.2); c.805C>T, p.Gln269Ter (NM_001257966.2); c.653-12398C>T (NM_001193640.2); short protein forms Q200*, Q269*.
Identifiers: ClinVar variation 973924 (VCV000973924.4), dbSNP rs753224594, ClinGen allele CA344083452.

ClinVar aggregate classification (germline): Pathogenic. Review status: criteria provided, single submitter (1 of 4 stars). 2 submissions from 2 submitters: Pathogenic (1). 1 of the submissions does not count toward it. Last evaluated 2023-10-04.

Conditions:
Retinitis pigmentosa 12 (RP12). Also called: RP WITH OR WITHOUT PPRPE; RP WITH OR WITHOUT PRESERVED PARAARTERIOLE RETINAL PIGMENT EPITHELIUM; RETINITIS PIGMENTOSA WITH OR WITHOUT PARAARTERIOLAR PRESERVATION OF RETINAL PIGMENT EPITHELIUM. Identifiers: Orphanet 791, MedGen C1838647, MONDO:0010818, OMIM 600105.
Leber congenital amaurosis 8 (LCA8). Identifiers: Orphanet 65, MedGen C3151202, MONDO:0013453, OMIM 613835.

Submissions (2):

Labcorp Genetics (formerly Invitae), Labcorp
Classification: Pathogenic for Leber congenital amaurosis 8; Retinitis pigmentosa 12. Last evaluated: 2023-10-04. Review status: criteria provided, single submitter. Criteria: Invitae Variant Classification Sherloc (09022015). Collection method: clinical testing. Allele origin: germline.
Comment: This sequence change creates a premature translational stop signal (p.Gln269*) in the CRB1 gene. It is expected to result in an absent or disrupted protein product. Loss-of-function variants in CRB1 are known to be pathogenic (PMID: 10508521, 22065545, 23379534, 25412400, 26957898, 28041643, 29391521). This variant is not present in population databases (gnomAD no frequency). This variant has not been reported in the literature in individuals affected with CRB1-related conditions. ClinVar contains an entry for this variant (Variation ID: 973924). For these reasons, this variant has been classified as Pathogenic.

Laboratory of Genetics in Ophthalmology, Institut Imagine
Classification: Pathogenic for Leber congenital amaurosis 8. Review status: no assertion criteria provided. Collection method: research. Allele origin: inherited. Affected: yes. Observed: 1 variant allele. Not counted in ClinVar's aggregate classification.

Literature cited by the submitters: PubMed 10508521 (cited by Labcorp Genetics (formerly Invitae), Labcorp); PubMed 22065545 (cited by Labcorp Genetics (formerly Invitae), Labcorp); PubMed 23379534 (cited by Labcorp Genetics (formerly Invitae), Labcorp); PubMed 25412400 (cited by Labcorp Genetics (formerly Invitae), Labcorp); PubMed 26957898 (cited by Labcorp Genetics (formerly Invitae), Labcorp); PubMed 28041643 (cited by Labcorp Genetics (formerly Invitae), Labcorp); PubMed 29391521 (cited by Labcorp Genetics (formerly Invitae), Labcorp).